The following is an entry in ClinVar:

ClinVar aggregate classification (germline): Uncertain significance (1 of 4 stars; one submission).

Conditions:
Dyskeratosis congenita. Identifiers: Orphanet 1775, MedGen C0265965, MONDO:0015780.

Submission:

Labcorp Genetics (formerly Invitae), Labcorp
Classification: Uncertain significance for Dyskeratosis congenita. Last evaluated: 2019-11-28. Review status: criteria provided, single submitter. Criteria: Invitae Variant Classification Sherloc (09022015). Collection method: clinical testing. Allele origin: germline.
Comment: This sequence change replaces alanine with valine at codon 849 of the CTC1 protein (p.Ala849Val). The alanine residue is moderately conserved and there is a small physicochemical difference between alanine and valine. This variant is not present in population databases (ExAC no frequency). This variant has not been reported in the literature in individuals with CTC1-related conditions. Algorithms developed to predict the effect of missense changes on protein structure and function output the following: SIFT: "Tolerated"; PolyPhen-2: "Benign"; Align-GVGD: "Class C0". The valine amino acid residue is found in multiple mammalian species, suggesting that this missense change does not adversely affect protein function. These predictions have not been confirmed by published functional studies and their clinical significance is uncertain. In summary, the available evidence is currently insufficient to determine the role of this variant in disease. Therefore, it has been classified as a Variant of Uncertain Significance.

NM_025099.6(CTC1):c.2546C>T (p.Ala849Val)

Gene: CTC1 (CST telomere replication complex component 1; minus strand). Cytogenetic location: 17p13.1.
Variant type: single nucleotide variant.
Coding change: c.2546C>T on transcript NM_025099.6 (MANE Select); coding-DNA position 2546, C replaced by T.
Protein change: p.Ala849Val; replaces alanine 849 with valine.
Molecular consequence: missense variant. On other transcripts: non-coding transcript variant (1).
Genome position (GRCh38, 1-based): chr17:8,231,399, G>A on the plus strand (C>T on the coding strand, the complement: CTC1 is on the minus strand). VCF-style: chr17-8231399-G-A. GRCh37 (hg19) VCF-style: chr17-8134717-G-A.
Other names: short protein forms A849V.
Identifiers: ClinVar variation 860637 (VCV000860637.9), dbSNP rs1987209622, ClinGen allele CA397976007.
Genomic context (GRCh38, chr17:8,231,399, plus strand): 5'-TGGATATCCTGGGAGCTTTCAAGCTCCAGAGTCCAGTTGTCCTGGACAGTGAGGCAGGAT[G>A]CACAGCCAGCCAACTCCAGAGGACGCCGAGATATGCAGGATGAACCATCCTTTTCAAACA-3'
Protein context (NP_079375.3, residues 839-859): SRRPLELAGC[Ala849Val]SCLTVQDNWT